The following is an entry in ClinVar:

NM_002734.5(PRKAR1A):c.13A>C (p.Ser5Arg)

Gene: PRKAR1A (protein kinase cAMP-dependent type I regulatory subunit alpha; plus strand). Cytogenetic location: 17q24.2.
Variant type: single nucleotide variant.
Coding change: c.13A>C on transcript NM_002734.5 (MANE Select); coding-DNA position 13, A replaced by C.
Protein change: p.Ser5Arg; replaces serine 5 with arginine.
Molecular consequence: missense variant.
Genome position (GRCh38, 1-based): chr17:68,515,412, A>C. VCF-style: chr17-68515412-A-C. GRCh37 (hg19) VCF-style: chr17-66511553-A-C.
Other names: c.13A>C, p.Ser5Arg (NM_001276289.2, NM_001276290.1, NM_001278433.2 and 4 more transcripts); c.13A>C (NM_002734.3); short protein forms S5R.
Identifiers: ClinVar variation 643895 (VCV000643895.10), dbSNP rs1600461789, ClinGen allele CA400751779.
Genomic context (GRCh38, chr17:68,515,412, plus strand): 5'-CTTTATAGTTTATACAAGCATGTGTGTGTTTTTTTCTCGCAGAGAACCATGGAGTCTGGC[A>C]GTACCGCCGCCAGTGAGGAGGCACGCAGCCTTCGAGAATGTGAGCTCTACGTCCAGAAGC-3'
Protein context (NP_002725.1, residues 1-15): MESG[Ser5Arg]TAASEEARSL

ClinVar aggregate classification (germline): Uncertain significance. Review status: criteria provided, multiple submitters, no conflicts (2 of 4 stars). 3 submissions from 3 submitters: Uncertain significance (3). Last evaluated 2025-03-31.

Conditions:
Hereditary cancer-predisposing syndrome. Also called: Neoplastic Syndromes, Hereditary; Tumor predisposition; Hereditary neoplastic syndrome; Hereditary Cancer Syndrome. Identifiers: Orphanet 140162, MedGen C0027672, MeSH D009386, MONDO:0015356.
Carney complex, type 1 (CNC1). Also called: CARNEY MYXOMA-ENDOCRINE COMPLEX; CARNEY COMPLEX, TYPE I. Identifiers: Orphanet 1359, MedGen C2607929, MONDO:0008057, OMIM 160980.
Acrodysostosis 1 with or without hormone resistance (ACRDYS1). Also called: ACRODYSOSTOSIS 1 WITH HORMONE RESISTANCE; ACRODYSOSTOSIS 1 WITHOUT HORMONE RESISTANCE; ACRODYSOSTOSIS WITH HORMONE RESISTANCE. Identifiers: Orphanet 280651, MedGen C3276228, MONDO:0007044, OMIM 101800.

Submissions (3):

Labcorp Genetics (formerly Invitae), Labcorp
Classification: Uncertain significance for Carney complex, type 1. Last evaluated: 2025-03-31. Review status: criteria provided, single submitter. Criteria: Invitae Variant Classification Sherloc (09022015). Collection method: clinical testing. Allele origin: germline.
Comment: This sequence change replaces serine, which is neutral and polar, with arginine, which is basic and polar, at codon 5 of the PRKAR1A protein (p.Ser5Arg). This variant is not present in population databases (gnomAD no frequency). This variant has not been reported in the literature in individuals affected with PRKAR1A-related conditions. ClinVar contains an entry for this variant (Variation ID: 643895). Invitae Evidence Modeling of protein sequence and biophysical properties (such as structural, functional, and spatial information, amino acid conservation, physicochemical variation, residue mobility, and thermodynamic stability) indicates that this missense variant is not expected to disrupt PRKAR1A protein function with a negative predictive value of 95%. In summary, the available evidence is currently insufficient to determine the role of this variant in disease. Therefore, it has been classified as a Variant of Uncertain Significance.

Ambry Genetics
Classification: Uncertain significance for Hereditary cancer-predisposing syndrome. Last evaluated: 2024-05-31. Review status: criteria provided, single submitter. Criteria: Ambry Variant Classification Scheme 2023. Collection method: clinical testing. Allele origin: germline.
Comment: The p.S5R variant (also known as c.13A>C), located in coding exon 1 of the PRKAR1A gene, results from an A to C substitution at nucleotide position 13. The serine at codon 5 is replaced by arginine, an amino acid with dissimilar properties. This amino acid position is conserved. In addition, the in silico prediction for this alteration is inconclusive. Based on the available evidence, the clinical significance of this variant remains unclear.

Baylor Genetics
Classification: Uncertain significance for Acrodysostosis 1 with or without hormone resistance. Last evaluated: 2024-02-07. Review status: criteria provided, single submitter. Criteria: ACMG Guidelines, 2015. Collection method: clinical testing. Allele origin: unknown.